The following is an entry in ClinVar:

ClinVar aggregate classification (germline): Benign/Likely benign. Review status: criteria provided, multiple submitters, no conflicts (2 of 4 stars). 3 submissions from 3 submitters: Benign (2); Likely benign (1). Last evaluated 2025-12-30.

Conditions:
Vesicoureteral reflux 2 (VUR2). Identifiers: Orphanet 289365, MedGen C1970483, MONDO:0012573, OMIM 610878.

Allele frequency attached by ClinVar (database versions not stated): gnomAD exomes 0.00006 and 0.00027; gnomAD 0.00009; TOPMed 0.00012; ExAC 0.00019.
gnomAD v4.1: 112 of 1,613,854 alleles (0.0069%); highest among the groups gnomAD compares: East Asian, 0.23%; no homozygotes.

Submissions (3):

Labcorp Genetics (formerly Invitae), Labcorp
Classification: Benign. Last evaluated: 2025-12-30. Review status: criteria provided, single submitter. Criteria: Invitae Variant Classification Sherloc (09022015). Collection method: clinical testing. Allele origin: germline.

Fulgent Genetics
Classification: Likely benign for Vesicoureteral reflux 2. Last evaluated: 2022-04-25. Review status: criteria provided, single submitter. Criteria: ACMG Guidelines, 2015. Collection method: clinical testing. Allele origin: unknown.

Illumina Laboratory Services, Illumina
Classification: Benign for Vesicoureteral reflux 2. Last evaluated: 2018-01-13. Review status: criteria provided, single submitter. Criteria: ICSL Variant Classification Criteria 13 December 2019. Collection method: clinical testing. Allele origin: germline.
Comment: This variant was observed in the ICSL laboratory as part of a predisposition screen in an ostensibly healthy population. It had not been previously curated by ICSL or reported in the Human Gene Mutation Database (HGMD: prior to June 1st, 2018), and was therefore a candidate for classification through an automated scoring system. Utilizing variant allele frequency, disease prevalence and penetrance estimates, and inheritance mode, an automated score was calculated to assess if this variant is too frequent to cause the disease. Based on the score and internal cut-off values, a variant classified as benign is not then subjected to further curation. The score for this variant resulted in a classification of benign for this disease.

NM_001395656.1(ROBO2):c.3765T>C (p.Ser1255=)

Gene: ROBO2 (roundabout guidance receptor 2; plus strand). Cytogenetic location: 3p12.3.
Variant type: single nucleotide variant.
Coding change: c.3765T>C on transcript NM_001395656.1 (MANE Select); coding-DNA position 3765, T replaced by C.
Protein change: p.Ser1255=; no amino-acid change (serine 1255 retained).
Molecular consequence: synonymous variant.
Genome position (GRCh38, 1-based): chr3:77,622,425, T>C. VCF-style: chr3-77622425-T-C. GRCh37 (hg19) VCF-style: chr3-77671576-T-C.
Other names: c.3801T>C, p.Ser1267= (NM_001128929.3); c.3765T>C, p.Ser1255= (NM_001290039.2, NM_001290040.2); c.1974T>C, p.Ser658= (NM_001290065.2); c.3813T>C, p.Ser1271= (NM_001378190.1, NM_001378200.1, NM_001378201.1 and 1 more transcripts); c.3939T>C, p.Ser1313= (NM_001378191.1, NM_001378195.1, NM_001378196.1); c.3834T>C, p.Ser1278= (NM_001378192.1, NM_001378198.1, NM_001378199.1); c.3753T>C, p.Ser1251= (NM_001378193.1, NM_002942.5); c.3951T>C, p.Ser1317= (NM_001378194.1); and 5 more.
Identifiers: ClinVar variation 346709 (VCV000346709.11), dbSNP rs201292837, ClinGen allele CA2497723.